The following is an entry in ClinVar:

ClinVar aggregate classification (germline): Likely pathogenic (1 of 4 stars; one submission).

Conditions:
Peroxisome biogenesis disorder. Identifiers: Orphanet 79189, MedGen C1832200, MONDO:0019234. Disease mechanism: loss of function.

Allele frequency attached by ClinVar (database versions not stated): gnomAD exomes below 0.00001.
gnomAD v4.1: 1 of 1,609,350 alleles (0.000062%); highest among the groups gnomAD compares: South Asian, 0.0011%; no homozygotes.

Submission:

Women's Health and Genetics/Laboratory Corporation of America, LabCorp
Classification: Likely pathogenic for Peroxisome biogenesis disorder. Last evaluated: 2023-12-15. Review status: criteria provided, single submitter. Criteria: LabCorp Variant Classification Summary - May 2015. Collection method: clinical testing. Allele origin: germline.
Comment: Variant summary: PEX5 c.846+1G>A is located in a canonical splice-site and is predicted to affect mRNA splicing resulting in a significantly altered protein due to either exon skipping, shortening, or inclusion of intronic material. Several computational tools predict a significant impact on normal splicing: Four predict the variant abolishes the canonical 5' splicing donor site. However, these predictions have yet to be confirmed by functional studies. The variant was absent in 251468 control chromosomes. To our knowledge, no occurrence of c.846+1G>A in individuals affected with Peroxisome Biogenesis Disorders, Zellweger Syndrome Spectrum and no experimental evidence demonstrating its impact on protein function have been reported. No submitters have cited clinical-significance assessments for this variant to ClinVar after 2014. Based on the evidence outlined above, the variant was classified as likely pathogenic.

NM_001351132.2(PEX5):c.846+1G>A

Gene: PEX5 (peroxisomal biogenesis factor 5; plus strand). Cytogenetic location: 12p13.31.
Variant type: single nucleotide variant.
Coding change: c.846+1G>A on transcript NM_001351132.2 (MANE Select); the canonical splice donor site of the intron after coding-DNA position 846, G replaced by A.
Molecular consequence: splice donor variant.
Genome position (GRCh38, 1-based): chr12:7,202,705, G>A. VCF-style: chr12-7202705-G-A. GRCh37 (hg19) VCF-style: chr12-7355301-G-A.
Other names: c.735+1G>A (NM_001351124.3, NM_001351126.2, NM_001374646.1 and 10 more transcripts); c.846+1G>A (NM_001131026.2, NM_001351131.2, NM_001374647.2 and 6 more transcripts); c.780+1G>A (NM_001351135.3, NM_001351138.2); c.891+1G>A (NM_001131023.2).
Identifiers: ClinVar variation 2691277 (VCV002691277.1), dbSNP rs2540160367, ClinGen allele CA383724915.